The following is an entry in ClinVar:

NM_001162501.2(TNRC6B):c.227C>T (p.Pro76Leu)

Gene: TNRC6B (trinucleotide repeat containing adaptor 6B; plus strand). Cytogenetic location: 22q13.1.
Variant type: single nucleotide variant.
Coding change: c.227C>T on transcript NM_001162501.2 (MANE Select); coding-DNA position 227, C replaced by T.
Protein change: p.Pro76Leu; replaces proline 76 with leucine.
Molecular consequence: missense variant.
Genome position (GRCh38, 1-based): chr22:40,261,943, C>T. VCF-style: chr22-40261943-C-T. GRCh37 (hg19) VCF-style: chr22-40657947-C-T.
Other names: c.335C>T, p.Pro112Leu (NM_001024843.2); c.227C>T, p.Pro76Leu (NM_015088.3); short protein forms P112L, P76L.
Identifiers: ClinVar variation 1366533 (VCV001366533.8), dbSNP rs770438837, ClinGen allele CA10246466.

ClinVar aggregate classification (germline): Uncertain significance (1 of 4 stars; one submission).

Allele frequency attached by ClinVar (database versions not stated): gnomAD exomes below 0.00001; ExAC 0.00001.
gnomAD v4.1: 1 of 1,612,812 alleles (0.000062%); highest among the groups gnomAD compares: Non-Finnish European, 0.000085%; no homozygotes.

Submission:

Labcorp Genetics (formerly Invitae), Labcorp
Classification: Uncertain significance. Last evaluated: 2021-01-21. Review status: criteria provided, single submitter. Criteria: Invitae Variant Classification Sherloc (09022015). Collection method: clinical testing. Allele origin: germline.
Comment: This variant is present in population databases (rs770438837, ExAC 0.002%). This sequence change replaces proline with leucine at codon 76 of the TNRC6B protein (p.Pro76Leu). The proline residue is highly conserved and there is a moderate physicochemical difference between proline and leucine. This variant has not been reported in the literature in individuals with TNRC6B-related conditions. In summary, the available evidence is currently insufficient to determine the role of this variant in disease. Therefore, it has been classified as a Variant of Uncertain Significance. Algorithms developed to predict the effect of missense changes on protein structure and function are either unavailable or do not agree on the potential impact of this missense change (SIFT: "Tolerated"; PolyPhen-2: "Probably Damaging"; Align-GVGD: "Class C0").